The following is an entry in ClinVar:

ClinVar aggregate classification (germline): Uncertain significance (1 of 4 stars; one submission).

Conditions:
Multiple congenital exostosis (EXT). Also called: Hereditary multiple osteochondromas; MULTIPLE CARTILAGINOUS EXOSTOSES; Multiple exostoses; Hereditary multiple exostoses; Hereditary multiple exostosis; Multiple osteochondromas. Identifiers: Orphanet 321, MedGen C0015306, MONDO:0005508, HP:0002762.

Submission:

Labcorp Genetics (formerly Invitae), Labcorp
Classification: Uncertain significance for Multiple congenital exostosis. Last evaluated: 2021-05-19. Review status: criteria provided, single submitter. Criteria: Invitae Variant Classification Sherloc (09022015). Collection method: clinical testing. Allele origin: germline.
Comment: This variant is not present in population databases (ExAC no frequency). This sequence change replaces lysine with asparagine at codon 97 of the EXT1 protein (p.Lys97Asn). The lysine residue is weakly conserved and there is a moderate physicochemical difference between lysine and asparagine. This variant has not been reported in the literature in individuals with EXT1-related conditions. Advanced modeling of protein sequence and biophysical properties (such as structural, functional, and spatial information, amino acid conservation, physicochemical variation, residue mobility, and thermodynamic stability) performed at Invitae indicates that this missense variant is not expected to disrupt EXT1 protein function. In summary, the available evidence is currently insufficient to determine the role of this variant in disease. Therefore, it has been classified as a Variant of Uncertain Significance.

NM_000127.3(EXT1):c.291G>T (p.Lys97Asn)

Gene: EXT1 (exostosin glycosyltransferase 1; minus strand). Cytogenetic location: 8q24.11.
Variant type: single nucleotide variant.
Coding change: c.291G>T on transcript NM_000127.3 (MANE Select); coding-DNA position 291, G replaced by T.
Protein change: p.Lys97Asn; replaces lysine 97 with asparagine.
Molecular consequence: missense variant.
Genome position (GRCh38, 1-based): chr8:118,110,756, C>A on the plus strand (G>T on the coding strand, the complement: EXT1 is on the minus strand). VCF-style: chr8-118110756-C-A. GRCh37 (hg19) VCF-style: chr8-119122995-C-A.
Other names: short protein forms K97N.
Identifiers: ClinVar variation 1477667 (VCV001477667.8), dbSNP rs2130044422, ClinGen allele CA371916185.